The following is an entry in ClinVar:

NM_001374828.1(ARID1B):c.6119A>G (p.Lys2040Arg)

Gene: ARID1B (AT-rich interaction domain 1B; plus strand). Cytogenetic location: 6q25.3.
Variant type: single nucleotide variant.
Coding change: c.6119A>G on transcript NM_001374828.1 (MANE Select); coding-DNA position 6119, A replaced by G.
Protein change: p.Lys2040Arg; replaces lysine 2040 with arginine.
Molecular consequence: missense variant.
Genome position (GRCh38, 1-based): chr6:157,206,891, A>G. VCF-style: chr6-157206891-A-G. GRCh37 (hg19) VCF-style: chr6-157528025-A-G.
Other names: c.5750A>G (NM_020732.3); c.3620A>G, p.Lys1207Arg (NM_001363725.2); c.5999A>G, p.Lys2000Arg (NM_001371656.1, NM_001374820.1); c.5960A>G, p.Lys1987Arg (NM_017519.3); short protein forms K1207R, K1987R, K2000R, K2040R.
Identifiers: ClinVar variation 1697035 (VCV001697035.7), dbSNP rs893554512, ClinGen allele CA150378937.

ClinVar aggregate classification (germline): Conflicting classifications of pathogenicity. Review status: criteria provided, conflicting classifications (1 of 4 stars). 5 submissions from 5 submitters: Uncertain significance (4); Likely benign (1). Last evaluated 2026-01-15.

Conditions:
ARID1B-Related Disorder. Identifiers: MedGen CN381337.
Inborn genetic diseases. Identifiers: MedGen C0950123, MeSH D030342.

Allele frequency attached by ClinVar (database versions not stated): gnomAD exomes below 0.00001; gnomAD 0.00001; TOPMed 0.00003.
gnomAD v4.1: 5 of 1,614,038 alleles (0.00031%); highest among the groups gnomAD compares: Admixed American, 0.0033%; no homozygotes.

Submissions (5):

Women's Health and Genetics/Laboratory Corporation of America, LabCorp
Classification: Uncertain significance. Last evaluated: 2026-01-15. Review status: criteria provided, single submitter. Criteria: LabCorp Variant Classification Summary - May 2015. Collection method: clinical testing. Allele origin: germline.
Comment: Variant summary: ARID1B c.6119A>G (p.Lys2040Arg) results in a conservative amino acid change in the encoded protein sequence. Algorithms developed to predict the effect of missense changes on protein structure and function all suggest that this variant is likely to be tolerated. The variant was absent in 251326 control chromosomes. The available data on variant occurrences in the general population are insufficient to allow any conclusion about variant significance. To our knowledge, no occurrence of c.6119A>G in individuals affected with ARID1B-related conditions and no experimental evidence demonstrating its impact on protein function have been reported. ClinVar contains an entry for this variant (Variation ID: 1697035). Based on the evidence outlined above, the variant was classified as uncertain significance.

Labcorp Genetics (formerly Invitae), Labcorp
Classification: Uncertain significance. Last evaluated: 2024-12-08. Review status: criteria provided, single submitter. Criteria: Invitae Variant Classification Sherloc (09022015). Collection method: clinical testing. Allele origin: germline.
Comment: This sequence change replaces lysine, which is basic and polar, with arginine, which is basic and polar, at codon 1917 of the ARID1B protein (p.Lys1917Arg). This variant is not present in population databases (gnomAD no frequency). This variant has not been reported in the literature in individuals affected with ARID1B-related conditions. ClinVar contains an entry for this variant (Variation ID: 1697035). Invitae Evidence Modeling of protein sequence and biophysical properties (such as structural, functional, and spatial information, amino acid conservation, physicochemical variation, residue mobility, and thermodynamic stability) indicates that this missense variant is not expected to disrupt ARID1B protein function with a negative predictive value of 95%. In summary, the available evidence is currently insufficient to determine the role of this variant in disease. Therefore, it has been classified as a Variant of Uncertain Significance.

Ambry Genetics
Classification: Likely benign for Inborn genetic diseases. Last evaluated: 2024-05-23. Review status: criteria provided, single submitter. Criteria: Ambry Variant Classification Scheme 2023. Collection method: clinical testing. Allele origin: germline.

PreventionGenetics, part of Exact Sciences
Classification: Uncertain significance for ARID1B-related condition. Last evaluated: 2023-10-03. Review status: criteria provided, single submitter. Criteria: ACMG Guidelines, 2015. Collection method: clinical testing. Allele origin: germline.
Comment: The ARID1B c.5750A>G variant is predicted to result in the amino acid substitution p.Lys1917Arg. To our knowledge, this variant has not been reported in the literature or in a large population database, indicating this variant is rare. At this time, the clinical significance of this variant is uncertain due to the absence of conclusive functional and genetic evidence.

GeneDx
Classification: Uncertain significance. Last evaluated: 2022-01-17. Review status: criteria provided, single submitter. Criteria: GeneDx Variant Classification Process June 2021. Collection method: clinical testing. Allele origin: germline. Affected: yes.
Comment: Not observed at significant frequency in large population cohorts (gnomAD); In silico analysis supports that this missense variant does not alter protein structure/function; Has not been previously published as pathogenic or benign to our knowledge